The following is an entry in ClinVar:

NM_144991.3(TSPEAR):c.1514C>T (p.Ser505Leu)

Gene: TSPEAR (thrombospondin type laminin G domain and EAR repeats; minus strand). Cytogenetic location: 21q22.3.
Variant type: single nucleotide variant.
Coding change: c.1514C>T on transcript NM_144991.3 (MANE Select); coding-DNA position 1514, C replaced by T.
Protein change: p.Ser505Leu; replaces serine 505 with leucine.
Molecular consequence: missense variant.
Genome position (GRCh38, 1-based): chr21:44,521,935, G>A on the plus strand (C>T on the coding strand, the complement: TSPEAR is on the minus strand). VCF-style: chr21-44521935-G-A. GRCh37 (hg19) VCF-style: chr21-45941818-G-A.
Other names: c.1310C>T, p.Ser437Leu (NM_001272037.2); short protein forms S505L, S437L.
Identifiers: ClinVar variation 2511819 (VCV002511819.5), dbSNP rs782338346, ClinGen allele CA10056553.

ClinVar aggregate classification (germline): Conflicting classifications of pathogenicity. Review status: criteria provided, conflicting classifications (1 of 4 stars). 2 submissions from 2 submitters: Pathogenic (1); Uncertain significance (1). Last evaluated 2024-07-29.

Conditions:
Inborn genetic diseases. Identifiers: MedGen C0950123, MeSH D030342.

Allele frequency attached by ClinVar (database versions not stated): ExAC 0.00001; gnomAD 0.00003; TOPMed 0.00003.
gnomAD v4.1: 18 of 1,613,952 alleles (0.0011%); highest among the groups gnomAD compares: African/African-American, 0.008%; no homozygotes.

Submissions (2):

Labcorp Genetics (formerly Invitae), Labcorp
Classification: Pathogenic. Last evaluated: 2024-07-29. Review status: criteria provided, single submitter. Criteria: Invitae Variant Classification Sherloc (09022015). Collection method: clinical testing. Allele origin: germline.
Comment: This sequence change replaces serine, which is neutral and polar, with leucine, which is neutral and non-polar, at codon 505 of the TSPEAR protein (p.Ser505Leu). This variant is present in population databases (rs782338346, gnomAD 0.004%). This missense change has been observed in individual(s) with clinical features of ectodermal dysplasia (Invitae). In at least one individual the data is consistent with being in trans (on the opposite chromosome) from a pathogenic variant. It has also been observed to segregate with disease in related individuals. ClinVar contains an entry for this variant (Variation ID: 2511819). Advanced modeling of protein sequence and biophysical properties (such as structural, functional, and spatial information, amino acid conservation, physicochemical variation, residue mobility, and thermodynamic stability) performed at Invitae indicates that this missense variant is expected to disrupt TSPEAR protein function with a positive predictive value of 80%. For these reasons, this variant has been classified as Pathogenic.

Ambry Genetics
Classification: Uncertain significance for Inborn genetic diseases. Last evaluated: 2023-05-17. Review status: criteria provided, single submitter. Criteria: Ambry Variant Classification Scheme 2023. Collection method: clinical testing. Allele origin: germline.